The following is an entry in ClinVar:

NM_152703.5(SAMD9L):c.928A>G (p.Ile310Val)

Gene: SAMD9L (sterile alpha motif domain containing 9 like; minus strand). Cytogenetic location: 7q21.2.
Variant type: single nucleotide variant.
Coding change: c.928A>G on transcript NM_152703.5 (MANE Select); coding-DNA position 928, A replaced by G.
Protein change: p.Ile310Val; replaces isoleucine 310 with valine.
Molecular consequence: missense variant.
Genome position (GRCh38, 1-based): chr7:93,135,044, T>C on the plus strand (A>G on the coding strand, the complement: SAMD9L is on the minus strand). VCF-style: chr7-93135044-T-C. GRCh37 (hg19) VCF-style: chr7-92764357-T-C.
Other names: c.928A>G, p.Ile310Val (NM_001303496.3, NM_001303497.3, NM_001303498.3 and 5 more transcripts); short protein forms I310V.
Identifiers: ClinVar variation 4863915 (VCV004863915.1).
Genomic context (GRCh38, chr7:93,135,044, plus strand): 5'-CTTTACAAATTTGCATCTGAATGTAGAAATACTTATCATTACATATAGAGTGTTTTGGAA[T>C]AGTATCAACTTCAATGACAAATCTGTCAGATGGTGTATTGTTCTGCAGAAGGACTTCCAC-3'
Protein context (NP_689916.2, residues 300-320): SDRFVIEVDT[Ile310Val]PKHSICNDKY

ClinVar aggregate classification (germline): Uncertain significance (1 of 4 stars; one submission).

Conditions:
Inborn genetic diseases. Identifiers: MedGen C0950123, MeSH D030342.

Submission:

Ambry Genetics
Classification: Uncertain significance for Inborn genetic diseases. Last evaluated: 2026-03-27. Review status: criteria provided, single submitter. Criteria: Ambry Variant Classification Scheme 2023. Collection method: clinical testing. Allele origin: germline.
Comment: The p.I310V variant (also known as c.928A>G), located in coding exon 1 of the SAMD9L gene, results from an A to G substitution at nucleotide position 928. The isoleucine at codon 310 is replaced by valine, an amino acid with highly similar properties. This amino acid position is conserved. In addition, this alteration is predicted to be tolerated by in silico analysis. Based on the available evidence, the clinical significance of this variant remains unclear.